The following is an entry in ClinVar:

ClinVar aggregate classification (germline): Uncertain significance (1 of 4 stars; one submission).

Submission:

Labcorp Genetics (formerly Invitae), Labcorp
Classification: Uncertain significance. Last evaluated: 2023-01-24. Review status: criteria provided, single submitter. Criteria: Invitae Variant Classification Sherloc (09022015). Collection method: clinical testing. Allele origin: germline.
Comment: In summary, the available evidence is currently insufficient to determine the role of this variant in disease. Therefore, it has been classified as a Variant of Uncertain Significance. Variants that disrupt the consensus splice site are a relatively common cause of aberrant splicing (PMID: 17576681, 9536098). Algorithms developed to predict the effect of sequence changes on RNA splicing suggest that this variant may disrupt the consensus splice site. This variant has not been reported in the literature in individuals affected with HMCN1-related conditions. This variant is not present in population databases (gnomAD no frequency). This sequence change falls in intron 77 of the HMCN1 gene. It does not directly change the encoded amino acid sequence of the HMCN1 protein. It affects a nucleotide within the consensus splice site.

Literature cited by the submitters: PubMed 17576681; PubMed 9536098.

NM_031935.3(HMCN1):c.11848+4A>C

Gene: HMCN1 (hemicentin 1; plus strand). Cytogenetic location: 1q31.1.
Variant type: single nucleotide variant.
Coding change: c.11848+4A>C on transcript NM_031935.3 (MANE Select); 4 bases into the intron after coding-DNA position 11848, A replaced by C.
Molecular consequence: intron variant.
Genome position (GRCh38, 1-based): chr1:186,117,627, A>C. VCF-style: chr1-186117627-A-C. GRCh37 (hg19) VCF-style: chr1-186086759-A-C.
Identifiers: ClinVar variation 2800420 (VCV002800420.3), dbSNP rs2528017604, ClinGen allele CA2739275485.
Genomic context (GRCh38, chr1:186,117,627, plus strand): 5'-CCAAAAATGGTATAAGACTGCTTCCCAGGGGAGATGGCTATAGAATTCTGTCCTCAGGTA[A>C]GACCAAGCTCAGTGATTTCACATCTATTGATTGTATTATTTATTGATGCATATTCTTACC-3'